The following is an entry in ClinVar:

NM_005876.5(SPEG):c.1316C>G (p.Pro439Arg)

Gene: SPEG (striated muscle enriched protein kinase; plus strand). Cytogenetic location: 2q35.
Variant type: single nucleotide variant.
Coding change: c.1316C>G on transcript NM_005876.5 (MANE Select); coding-DNA position 1316, C replaced by G.
Protein change: p.Pro439Arg; replaces proline 439 with arginine.
Molecular consequence: missense variant.
Genome position (GRCh38, 1-based): chr2:219,448,474, C>G. VCF-style: chr2-219448474-C-G. GRCh37 (hg19) VCF-style: chr2-220313196-C-G.
Other names: c.1316C>G (NM_005876.4); short protein forms P439R.
Identifiers: ClinVar variation 1489332 (VCV001489332.7), dbSNP rs1575057382, ClinGen allele CA350718632.

ClinVar aggregate classification (germline): Uncertain significance. Review status: criteria provided, multiple submitters, no conflicts (2 of 4 stars). 2 submissions from 2 submitters: Uncertain significance (2). Last evaluated 2021-11-12.

Conditions:
Inborn genetic diseases. Identifiers: MedGen C0950123, MeSH D030342.

Allele frequency attached by ClinVar (database versions not stated): TOPMed below 0.00001; gnomAD 0.00001.
gnomAD v4.1: 7 of 1,477,344 alleles (0.00047%); highest among the groups gnomAD compares: Middle Eastern, 0.023%; no homozygotes.

Submissions (2):

Ambry Genetics
Classification: Uncertain significance for Inborn genetic diseases. Last evaluated: 2021-11-12. Review status: criteria provided, single submitter. Criteria: Ambry Variant Classification Scheme 2023. Collection method: clinical testing. Allele origin: germline.

Labcorp Genetics (formerly Invitae), Labcorp
Classification: Uncertain significance. Last evaluated: 2021-08-13. Review status: criteria provided, single submitter. Criteria: Invitae Variant Classification Sherloc (09022015). Collection method: clinical testing. Allele origin: germline.
Comment: This sequence change replaces proline with arginine at codon 439 of the SPEG protein (p.Pro439Arg). The proline residue is highly conserved and there is a moderate physicochemical difference between proline and arginine. The frequency data for this variant in the population databases is considered unreliable, as metrics indicate insufficient coverage at this position in the ExAC database. This variant has not been reported in the literature in individuals affected with SPEG-related conditions. Algorithms developed to predict the effect of missense changes on protein structure and function are either unavailable or do not agree on the potential impact of this missense change (SIFT: "Deleterious"; PolyPhen-2: "Benign"; Align-GVGD: "Class C0"). In summary, the available evidence is currently insufficient to determine the role of this variant in disease. Therefore, it has been classified as a Variant of Uncertain Significance.